The following is an entry in ClinVar:

ClinVar aggregate classification (germline): Uncertain significance (0 of 4 stars; one submission).

Conditions:
VAMP2-related disorder. Also called: VAMP2-related condition.

Allele frequency attached by ClinVar (database versions not stated): gnomAD 0.00001; TOPMed 0.00002.

Submission:

PreventionGenetics, part of Exact Sciences
Classification: Uncertain significance for VAMP2-related condition. Last evaluated: 2024-02-05. Review status: no assertion criteria provided. Collection method: clinical testing. Allele origin: germline.
Comment: The VAMP2 c.71C>T variant is predicted to result in the amino acid substitution p.Pro24Leu. To our knowledge, this variant has not been reported in the literature or in a large population database, indicating this variant is rare. At this time, the clinical significance of this variant is uncertain due to the absence of conclusive functional and genetic evidence.

NM_014232.3(VAMP2):c.65C>T (p.Pro22Leu)

Genes: VAMP2 (vesicle associated membrane protein 2; minus strand), LOC130060218 (ATAC-STARR-seq lymphoblastoid silent region 8166; plus strand). Cytogenetic location: 17p13.1.
Variant type: single nucleotide variant.
Coding change: c.65C>T on transcript NM_014232.3 (MANE Select); coding-DNA position 65, C replaced by T.
Protein change: p.Pro22Leu; replaces proline 22 with leucine.
Molecular consequence: missense variant.
Genome position (GRCh38, 1-based): chr17:8,162,307, G>A on the plus strand (C>T on the coding strand, the complement: VAMP2 is on the minus strand). VCF-style: chr17-8162307-G-A. GRCh37 (hg19) VCF-style: chr17-8065625-G-A.
Other names: c.71C>T, p.Pro24Leu (NM_001330125.1); short protein forms P22L, P24L.
Identifiers: ClinVar variation 3030387 (VCV003030387.2), dbSNP rs1317751622, ClinGen allele CA397966565.
Genomic context (GRCh38, chr17:8,162,307, plus strand): 5'-ACCTCATCCACCTGGGCCTGGGTCTGCTGCAGTCTCCTGTTACTGGTGAGGTTTGGAGGG[G>A]GTGCAGGGGGACCACCCTCCCCAGCCGGGGCAGCAGGGGGGGCCGTGGCAGCGGTAGCAG-3'
Protein context (NP_055047.2, residues 12-32): APAGEGGPPA[Pro22Leu]PPNLTSNRRL